The following is an entry in ClinVar:

NM_002439.5(MSH3):c.2047dup (p.Glu683fs)

Gene: MSH3 (mutS homolog 3; plus strand). Cytogenetic location: 5q14.1.
Variant type: Duplication.
Coding change: c.2047dup on transcript NM_002439.5 (MANE Select); coding-DNA position 2047, one base duplicated (G; older notation c.2047dupG).
Protein change: p.Glu683fs; shifts the reading frame from glutamic acid 683.
Molecular consequence: frameshift variant.
Genome position (GRCh38, 1-based): chr5:80,768,083, G duplicated; the last of 2 consecutive G bases (chr5:80,768,082-80,768,083); duplicating either gives the same sequence. VCF-style (leftmost placement, unchanged base first): chr5-80768081-T-TG. GRCh37 (hg19) VCF-style: chr5-80063900-T-TG.
Other names: short protein forms E683fs.
Identifiers: ClinVar variation 2010777 (VCV002010777.4), dbSNP rs2546773716, ClinGen allele CA2580073600.

ClinVar aggregate classification (germline): Pathogenic (1 of 4 stars; one submission).

Submission:

Labcorp Genetics (formerly Invitae), Labcorp
Classification: Pathogenic. Last evaluated: 2022-06-26. Review status: criteria provided, single submitter. Criteria: Invitae Variant Classification Sherloc (09022015). Collection method: clinical testing. Allele origin: germline.
Comment: For these reasons, this variant has been classified as Pathogenic. This variant has not been reported in the literature in individuals affected with MSH3-related conditions. This sequence change creates a premature translational stop signal (p.Glu683Glyfs*9) in the MSH3 gene. It is expected to result in an absent or disrupted protein product. Loss-of-function variants in MSH3 are known to be pathogenic (PMID: 27476653). This variant is not present in population databases (gnomAD no frequency).

Literature cited by the submitters: PubMed 27476653.